The following is an entry in ClinVar:

NM_001999.4(FBN2):c.6785T>C (p.Leu2262Pro)

Gene: FBN2 (fibrillin 2; minus strand). Cytogenetic location: 5q23.3.
Variant type: single nucleotide variant.
Coding change: c.6785T>C on transcript NM_001999.4 (MANE Select); coding-DNA position 6785, T replaced by C.
Protein change: p.Leu2262Pro; replaces leucine 2262 with proline.
Molecular consequence: missense variant.
Genome position (GRCh38, 1-based): chr5:128,287,403, A>G on the plus strand (T>C on the coding strand, the complement: FBN2 is on the minus strand). VCF-style: chr5-128287403-A-G. GRCh37 (hg19) VCF-style: chr5-127623095-A-G.
Other names: short protein forms L2262P.
Identifiers: ClinVar variation 5021618 (VCV005021618.1).

ClinVar aggregate classification (germline): Uncertain significance (1 of 4 stars; one submission).

Conditions:
Familial thoracic aortic aneurysm and aortic dissection (TAAD). Also called: Thoracic aortic aneurysms and dissections. Identifiers: Orphanet 91387, MedGen C4707243, MONDO:0019625.

Submission:

Ambry Genetics
Classification: Uncertain significance for Familial thoracic aortic aneurysm and aortic dissection. Last evaluated: 2026-06-20. Review status: criteria provided, single submitter. Criteria: Ambry Variant Classification Scheme 2023. Collection method: clinical testing. Allele origin: germline.
Comment: The p.L2262P variant (also known as c.6785T>C), located in coding exon 54 of the FBN2 gene, results from a T to C substitution at nucleotide position 6785. The leucine at codon 2262 is replaced by proline, an amino acid with similar properties. This amino acid position is conserved. In addition, this alteration is predicted to be deleterious by in silico analysis. Based on the available evidence, the clinical significance of this variant remains unclear.